The following is an entry in ClinVar:

NM_002439.5(MSH3):c.2822C>T (p.Ala941Val)

Gene: MSH3 (mutS homolog 3; plus strand). Cytogenetic location: 5q14.1.
Variant type: single nucleotide variant.
Coding change: c.2822C>T on transcript NM_002439.5 (MANE Select); coding-DNA position 2822, C replaced by T.
Protein change: p.Ala941Val; replaces alanine 941 with valine.
Molecular consequence: missense variant.
Genome position (GRCh38, 1-based): chr5:80,854,138, C>T. VCF-style: chr5-80854138-C-T. GRCh37 (hg19) VCF-style: chr5-80149957-C-T.
Other names: c.2822C>T (NM_002439.3); short protein forms A941V.
Identifiers: ClinVar variation 1060049 (VCV001060049.10), dbSNP rs756771653, ClinGen allele CA3328381.

ClinVar aggregate classification (germline): Uncertain significance. Review status: criteria provided, multiple submitters, no conflicts (2 of 4 stars). 2 submissions from 2 submitters: Uncertain significance (2). Last evaluated 2025-08-05.

Conditions:
Hereditary cancer-predisposing syndrome. Also called: Neoplastic Syndromes, Hereditary; Hereditary Cancer Syndrome; Hereditary neoplastic syndrome; Tumor predisposition. Identifiers: Orphanet 140162, MedGen C0027672, MeSH D009386, MONDO:0015356.

Allele frequency attached by ClinVar (database versions not stated): gnomAD exomes below 0.00001 and 0.00001; TOPMed below 0.00001; ExAC 0.00001.
gnomAD v4.1: 2 of 1,613,170 alleles (0.00012%); highest among the groups gnomAD compares: Non-Finnish European, 0.00017%; no homozygotes.

Submissions (2):

Ambry Genetics
Classification: Uncertain significance for Hereditary cancer-predisposing syndrome. Last evaluated: 2025-08-05. Review status: criteria provided, single submitter. Criteria: Ambry Variant Classification Scheme 2023. Collection method: clinical testing. Allele origin: germline.
Comment: The p.A941V variant (also known as c.2822C>T), located in coding exon 21 of the MSH3 gene, results from a C to T substitution at nucleotide position 2822. The alanine at codon 941 is replaced by valine, an amino acid with similar properties. This amino acid position is conserved. In addition, this alteration is predicted to be deleterious by in silico analysis. Based on the available evidence, the clinical significance of this variant remains unclear.

Labcorp Genetics (formerly Invitae), Labcorp
Classification: Uncertain significance. Last evaluated: 2022-12-23. Review status: criteria provided, single submitter. Criteria: Invitae Variant Classification Sherloc (09022015). Collection method: clinical testing. Allele origin: germline.
Comment: In summary, the available evidence is currently insufficient to determine the role of this variant in disease. Therefore, it has been classified as a Variant of Uncertain Significance. Algorithms developed to predict the effect of missense changes on protein structure and function are either unavailable or do not agree on the potential impact of this missense change (SIFT: "Deleterious"; PolyPhen-2: "Possibly Damaging"; Align-GVGD: "Class C0"). ClinVar contains an entry for this variant (Variation ID: 1060049). This variant has not been reported in the literature in individuals affected with MSH3-related conditions. This variant is present in population databases (rs756771653, gnomAD 0.002%). This sequence change replaces alanine, which is neutral and non-polar, with valine, which is neutral and non-polar, at codon 941 of the MSH3 protein (p.Ala941Val).